The following is an entry in ClinVar:

NM_001080467.3(MYO5B):c.297C>G (p.Ile99Met)

Gene: MYO5B (myosin VB; minus strand). Cytogenetic location: 18q21.1.
Variant type: single nucleotide variant.
Coding change: c.297C>G on transcript NM_001080467.3 (MANE Select); coding-DNA position 297, C replaced by G.
Protein change: p.Ile99Met; replaces isoleucine 99 with methionine.
Molecular consequence: missense variant.
Genome position (GRCh38, 1-based): chr18:50,040,156, G>C on the plus strand (C>G on the coding strand, the complement: MYO5B is on the minus strand). VCF-style: chr18-50040156-G-C. GRCh37 (hg19) VCF-style: chr18-47566526-G-C.
Other names: short protein forms I99M.
Identifiers: ClinVar variation 3731366 (VCV003731366.1).

ClinVar aggregate classification (germline): Uncertain significance (1 of 4 stars; one submission).

Conditions:
Congenital microvillous atrophy (DIAR2). Also called: DAVIDSON DISEASE; MICROVILLUS ATROPHY, CONGENITAL; Microvillus inclusion disease; Diarrhea 2 with microvillus atrophy, with or without cholestasis; CONGENITAL FAMILIAL PROTRACTED DIARRHEA WITH ENTEROCYTE BRUSH-BORDER ABNORMALITIES. Identifiers: Orphanet 2290, MedGen C0341306, MONDO:0009635, OMIM 251850.

Submission:

Neuberg Centre For Genomic Medicine, NCGM
Classification: Uncertain significance for Congenital microvillous atrophy. Review status: criteria provided, single submitter. Criteria: ACMG Guidelines, 2015. Collection method: clinical testing. Allele origin: germline. Inheritance: Autosomal recessive inheritance. Affected: yes.
Comment: The missense c.297C>G(p.Ile99Met) variant in MYO5B gene has not been reported previously as a pathogenic variant nor as a benign variant, to our knowledge. The p.Ile99Met variant is novel (not in any individuals) in gnomAD Exomes. This variant has not been submitted to the ClinVar database. Multiple lines of computational evidences (Polyphen - Probably damaging, SIFT - Damaging and MutationTaster - Disease causing) predict a damaging effect on protein structure and function for this variant. The reference amino acid at this position on MYO5B gene is predicted as conserved by GERP++ and PhyloP across 100 vertebrates. The amino acid Ile at position 99 is changed to a Met changing protein sequence and it might alter its composition and physico-chemical properties. For these reasons, this variant has been classified as a Variant of Uncertain Significance (VUS).